The following is an entry in ClinVar:

NM_018051.5(DYNC2I1):c.2189C>G (p.Ser730Ter)

Gene: DYNC2I1 (dynein 2 intermediate chain 1; plus strand). Cytogenetic location: 7q36.3.
Variant type: single nucleotide variant.
Coding change: c.2189C>G on transcript NM_018051.5 (MANE Select); coding-DNA position 2189, C replaced by G.
Protein change: p.Ser730Ter; replaces serine 730 with a stop codon.
Molecular consequence: nonsense.
Genome position (GRCh38, 1-based): chr7:158,923,665, C>G. VCF-style: chr7-158923665-C-G. GRCh37 (hg19) VCF-style: chr7-158716356-C-G.
Other names: c.2051C>G, p.Ser684Ter (NM_001350914.2); c.1616C>G, p.Ser539Ter (NM_001350915.2); c.728C>G, p.Ser243Ter (NM_001350916.2); c.941C>G, p.Ser314Ter (NM_001350917.2, NM_001350918.2); short protein forms S243*, S314*, S539*, S684*, S730*.
Identifiers: ClinVar variation 4999812 (VCV004999812.1).

ClinVar aggregate classification (germline): Likely pathogenic (1 of 4 stars; one submission).

Conditions:
DYNC2I1-related disorder. Also called: DYNC2I1-related condition.

gnomAD v4.1: 2 of 1,613,994 alleles (0.00012%); highest among the groups gnomAD compares: Middle Eastern, 0.033%; no homozygotes.

Submission:

PreventionGenetics, part of Exact Sciences
Classification: Likely pathogenic for DYNC2I1-related condition. Last evaluated: 2025-01-19. Review status: criteria provided, single submitter. Criteria: ACMG Guidelines, 2015. Collection method: clinical testing. Allele origin: germline.
Comment: The DYNC2I1 c.2189C>G variant is predicted to result in premature protein termination (p.Ser730*). To our knowledge, this variant has not been reported in the literature or in a large population database (gnomAD), indicating this variant is rare. Nonsense variants in DYNC2I1 are expected to be pathogenic. This variant is interpreted as likely pathogenic.